The following is an entry in ClinVar:

ClinVar aggregate classification (germline): Uncertain significance. Review status: criteria provided, multiple submitters, no conflicts (2 of 4 stars). 2 submissions from 2 submitters: Uncertain significance (2). Last evaluated 2024-07-09.

Conditions:
Inborn genetic diseases. Identifiers: MedGen C0950123, MeSH D030342.

Allele frequency attached by ClinVar (database versions not stated): TOPMed below 0.00001; gnomAD exomes 0.00001.

Submissions (2):

Ambry Genetics
Classification: Uncertain significance for Inborn genetic diseases. Last evaluated: 2024-07-09. Review status: criteria provided, single submitter. Criteria: Ambry Variant Classification Scheme 2023. Collection method: clinical testing. Allele origin: germline.

Labcorp Genetics (formerly Invitae), Labcorp
Classification: Uncertain significance. Last evaluated: 2021-12-28. Review status: criteria provided, single submitter. Criteria: Invitae Variant Classification Sherloc (09022015). Collection method: clinical testing. Allele origin: germline.
Comment: In summary, the available evidence is currently insufficient to determine the role of this variant in disease. Therefore, it has been classified as a Variant of Uncertain Significance. Algorithms developed to predict the effect of missense changes on protein structure and function are either unavailable or do not agree on the potential impact of this missense change (SIFT: "Deleterious"; PolyPhen-2: "Benign"; Align-GVGD: "Class C0"). This variant has not been reported in the literature in individuals affected with CHD5-related conditions. This variant is present in population databases (no rsID available, gnomAD 0.0009%). This sequence change replaces lysine, which is basic and polar, with arginine, which is basic and polar, at codon 329 of the CHD5 protein (p.Lys329Arg).

NM_015557.3(CHD5):c.986A>G (p.Lys329Arg)

Gene: CHD5 (chromodomain helicase DNA binding protein 5; minus strand). Cytogenetic location: 1p36.31.
Variant type: single nucleotide variant.
Coding change: c.986A>G on transcript NM_015557.3 (MANE Select); coding-DNA position 986, A replaced by G.
Protein change: p.Lys329Arg; replaces lysine 329 with arginine.
Molecular consequence: missense variant.
Genome position (GRCh38, 1-based): chr1:6,151,040, T>C on the plus strand (A>G on the coding strand, the complement: CHD5 is on the minus strand). VCF-style: chr1-6151040-T-C. GRCh37 (hg19) VCF-style: chr1-6211100-T-C.
Other names: c.986A>G (NM_015557.2); short protein forms K329R.
Identifiers: ClinVar variation 1919852 (VCV001919852.6), dbSNP rs1388775566, ClinGen allele CA338086171.